The following is an entry in ClinVar:

NM_003896.4(ST3GAL5):c.422T>G (p.Leu141Ter)

Gene: ST3GAL5 (ST3 beta-galactoside alpha-2,3-sialyltransferase 5; minus strand). Cytogenetic location: 2p11.2.
Variant type: single nucleotide variant.
Coding change: c.422T>G on transcript NM_003896.4 (MANE Select); coding-DNA position 422, T replaced by G.
Protein change: p.Leu141Ter; replaces leucine 141 with a stop codon.
Molecular consequence: nonsense. On other transcripts: 5 prime UTR variant (1).
Genome position (GRCh38, 1-based): chr2:85,848,101, A>C on the plus strand (T>G on the coding strand, the complement: ST3GAL5 is on the minus strand). VCF-style: chr2-85848101-A-C. GRCh37 (hg19) VCF-style: chr2-86075224-A-C.
Other names: c.353T>G, p.Leu118Ter (NM_001042437.2); c.38T>G, p.Leu13Ter (NM_001354223.2, NM_001354224.2, NM_001354226.2 and 3 more transcripts); c.338T>G, p.Leu113Ter (NM_001354227.2, NM_001354229.2, NM_001354238.1); c.-483T>G (NM_001354247.1); c.422T>G, p.Leu141Ter (NM_001363847.1); short protein forms L113*, L118*, L141*, L13*.
Identifiers: ClinVar variation 2793672 (VCV002793672.3), dbSNP rs772327731, ClinGen allele CA347532650.
Genomic context (GRCh38, chr2:85,848,101, plus strand): 5'-GGAGGATCGTACTTGGACTCAGCTTCACTGTCTTTGGGGGCCTTCTGCACAAAAGGGAGT[A>C]AGTCCACGCTATACCTGTGCTCAAATAACAGCGCCATTGATGTCTTGGCAAACTTGGGAC-3'

ClinVar aggregate classification (germline): Pathogenic (1 of 4 stars; one submission).

Conditions:
GM3 synthase deficiency (SPDRS). Also called: AMISH INFANTILE EPILEPSY SYNDROME; SALT AND PEPPER DEVELOPMENTAL REGRESSION SYNDROME; SALT AND PEPPER MENTAL RETARDATION SYNDROME. Identifiers: Orphanet 171714, Orphanet 370933, MedGen C1836824, MONDO:0018274, OMIM 609056.

Submission:

Labcorp Genetics (formerly Invitae), Labcorp
Classification: Pathogenic for GM3 synthase deficiency. Last evaluated: 2023-03-08. Review status: criteria provided, single submitter. Criteria: Invitae Variant Classification Sherloc (09022015). Collection method: clinical testing. Allele origin: germline.
Comment: This sequence change creates a premature translational stop signal (p.Leu141*) in the ST3GAL5 gene. It is expected to result in an absent or disrupted protein product. Loss-of-function variants in ST3GAL5 are known to be pathogenic (PMID: 15502825, 22990144, 27232954). This variant is not present in population databases (gnomAD no frequency). This variant has not been reported in the literature in individuals affected with ST3GAL5-related conditions. For these reasons, this variant has been classified as Pathogenic.

Literature cited by the submitters: PubMed 15502825; PubMed 22990144; PubMed 27232954.